The following is an entry in ClinVar:

NM_000637.5(GSR):c.493-18T>G

Gene: GSR (glutathione-disulfide reductase; minus strand). Cytogenetic location: 8p12.
Variant type: single nucleotide variant.
Coding change: c.493-18T>G on transcript NM_000637.5 (MANE Select); 18 bases into the intron before coding-DNA position 493, T replaced by G.
Molecular consequence: intron variant.
Genome position (GRCh38, 1-based): chr8:30,703,258, A>C on the plus strand (T>G on the coding strand, the complement: GSR is on the minus strand). VCF-style: chr8-30703258-A-C. GRCh37 (hg19) VCF-style: chr8-30560775-A-C.
Other names: c.493-18T>G (NM_001195104.3, NM_001195102.3, NM_001195103.3).
Identifiers: ClinVar variation 1693976 (VCV001693976.12), dbSNP rs8190972, ClinGen allele CA4701496.
Genomic context (GRCh38, chr8:30,703,258, plus strand): 5'-CACTCGTGAAGGCTGCATGGCCACGGATGATTTCTATATGGGACTAAAGAAGGAACCATG[A>C]CATTAGCCTGTTCTTAGAATAAAAACAAAGACACCTACTGCAACTTATCAGAACTTTCAT-3'

ClinVar aggregate classification (germline): Conflicting classifications of pathogenicity. Review status: criteria provided, conflicting classifications (1 of 4 stars). 3 submissions from 3 submitters: Uncertain significance (1); Benign (1); Likely benign (1). Last evaluated 2025-12-31.

Conditions:
Hemolytic anemia due to glutathione reductase deficiency (CNSHA10). Also called: ANEMIA, CONGENITAL, NONSPHEROCYTIC HEMOLYTIC, 10. Identifiers: Orphanet 90030, MedGen C5231513, MONDO:0019531, OMIM 618660.

Allele frequency attached by ClinVar (database versions not stated): gnomAD 0.00052 and 0.00088; ESP Exome Variant Server 0.00054; gnomAD exomes 0.00111 and 0.00179; 1000 Genomes Project 30x 0.00187; ExAC 0.00188; 1000 Genomes Project 0.00200.
gnomAD v4.1: 1,776 of 1,611,346 alleles (0.11%); highest among the groups gnomAD compares: South Asian, 0.86%; 9 homozygotes.

Submissions (7):

Labcorp Genetics (formerly Invitae), Labcorp
Classification: Benign. Last evaluated: 2025-12-31. Review status: criteria provided, single submitter. Criteria: Invitae Variant Classification Sherloc (09022015). Collection method: clinical testing. Allele origin: germline.

ARUP Laboratories, Molecular Genetics and Genomics, ARUP Laboratories
Classification: Likely benign for Hemolytic anemia due to glutathione reductase deficiency. Last evaluated: 2024-04-05. Review status: criteria provided, single submitter. Criteria: ARUP Molecular Germline Variant Investigation Process 2024. Collection method: clinical testing. Allele origin: germline.

Mayo Clinic Laboratories, Mayo Clinic
Classification: Uncertain significance. Last evaluated: 2022-10-13. Review status: criteria provided, single submitter. Criteria: ACMG Guidelines, 2015. Collection method: clinical testing. Allele origin: germline. Observed: 4 variant alleles.
Comment: BP4, BP7

Dr. Peter K. Rogan Lab, Western University
No classification provided (evidence only). Condition: Malignant tumor of esophagus. Review status: no classification provided. Collection method: in vitro. Allele origin: not applicable. Functional consequence: retained intron. Not counted in ClinVar's aggregate classification.

Dr. Peter K. Rogan Lab, Western University
No classification provided (evidence only). Condition: Chronic lymphocytic leukemia/small lymphocytic lymphoma. Review status: no classification provided. Collection method: in vitro. Allele origin: not applicable. Functional consequence: retained intron. Not counted in ClinVar's aggregate classification.

Dr. Peter K. Rogan Lab, Western University
No classification provided (evidence only). Condition: Chronic lymphocytic leukemia/small lymphocytic lymphoma. Review status: no classification provided. Collection method: in vitro. Allele origin: not applicable. Functional consequence: retained intron. Not counted in ClinVar's aggregate classification.

Dr. Peter K. Rogan Lab, Western University
No classification provided (evidence only). Condition: Nonpapillary renal cell carcinoma. Review status: no classification provided. Collection method: in vitro. Allele origin: not applicable. Functional consequence: skipped exon. Not counted in ClinVar's aggregate classification.